The following is an entry in ClinVar:

NM_001205293.3(CACNA1E):c.568C>T (p.Arg190Trp)

Gene: CACNA1E (calcium voltage-gated channel subunit alpha1 E; plus strand). Cytogenetic location: 1q25.3.
Variant type: single nucleotide variant.
Coding change: c.568C>T on transcript NM_001205293.3 (MANE Select); coding-DNA position 568, C replaced by T.
Protein change: p.Arg190Trp; replaces arginine 190 with tryptophan.
Molecular consequence: missense variant.
Genome position (GRCh38, 1-based): chr1:181,577,821, C>T. VCF-style: chr1-181577821-C-T. GRCh37 (hg19) VCF-style: chr1-181546957-C-T.
Other names: c.568C>T, p.Arg190Trp (NM_000721.4, NM_001205294.2); short protein forms R190W.
Identifiers: ClinVar variation 1957794 (VCV001957794.5), dbSNP rs2527303354, ClinGen allele CA343846798.
Genomic context (GRCh38, chr1:181,577,821, plus strand): 5'-TGCAGCATCCTGGCCACTGCAGGAACCCACTTCAATACTCACGTGGACCTGAGGACCCTC[C>T]GGGCTGTGCGTGTCCTGCGGCCTTTGAAGCTCGTGTCAGGGATACCTAGTGAGCATCTGC-3'
Protein context (NP_001192222.1, residues 180-200): FNTHVDLRTL[Arg190Trp]AVRVLRPLKL

ClinVar aggregate classification (germline): Uncertain significance (1 of 4 stars; one submission).

Allele frequency attached by ClinVar (database versions not stated): gnomAD exomes below 0.00001.
gnomAD v4.1: 6 of 1,611,924 alleles (0.00037%); highest among the groups gnomAD compares: South Asian, 0.0011%; no homozygotes.

Submission:

Labcorp Genetics (formerly Invitae), Labcorp
Classification: Uncertain significance. Last evaluated: 2022-04-08. Review status: criteria provided, single submitter. Criteria: Invitae Variant Classification Sherloc (09022015). Collection method: clinical testing. Allele origin: germline.
Comment: This variant has not been reported in the literature in individuals affected with CACNA1E-related conditions. This variant is not present in population databases (gnomAD no frequency). This sequence change replaces arginine, which is basic and polar, with tryptophan, which is neutral and slightly polar, at codon 190 of the CACNA1E protein (p.Arg190Trp). Advanced modeling of protein sequence and biophysical properties (such as structural, functional, and spatial information, amino acid conservation, physicochemical variation, residue mobility, and thermodynamic stability) performed at Invitae indicates that this missense variant is expected to disrupt CACNA1E protein function. In summary, the available evidence is currently insufficient to determine the role of this variant in disease. Therefore, it has been classified as a Variant of Uncertain Significance.